The following is an entry in ClinVar:

ClinVar aggregate classification (germline): Benign/Likely benign. Review status: criteria provided, multiple submitters, no conflicts (2 of 4 stars). 2 submissions from 2 submitters: Benign (1); Likely benign (1). Last evaluated 2026-01-07.

Conditions:
Emery-Dreifuss muscular dystrophy 4, autosomal dominant (EDMD4). Also called: EMERY-DREIFUSS MUSCULAR DYSTROPHY 4 WITH VARIABLE FEATURES. Identifiers: Orphanet 261, MedGen C2751807, MONDO:0013071, OMIM 612998.
Autosomal recessive ataxia, Beauce type. Also called: SYNE1 Deficiency; Spinocerebellar ataxia, autosomal recessive 8; ATAXIA, RECESSIVE, OF BEAUCE; SYNE1-Related Autosomal Recessive Cerebellar Ataxia. Identifiers: Orphanet 88644, MedGen C1853116, MONDO:0012549, OMIM 610743.

Submissions (2):

Labcorp Genetics (formerly Invitae), Labcorp
Classification: Benign for Emery-Dreifuss muscular dystrophy 4, autosomal dominant; Autosomal recessive ataxia, Beauce type. Last evaluated: 2026-01-07. Review status: criteria provided, single submitter. Criteria: Invitae Variant Classification Sherloc (09022015). Collection method: clinical testing. Allele origin: germline.

GeneDx
Classification: Likely benign. Last evaluated: 2017-07-28. Review status: criteria provided, single submitter. Criteria: GeneDx Variant Classification (06012015). Collection method: clinical testing. Allele origin: germline. Affected: yes.
Comment: This variant is considered likely benign or benign based on one or more of the following criteria: it is a conservative change, it occurs at a poorly conserved position in the protein, it is predicted to be benign by multiple in silico algorithms, and/or has population frequency not consistent with disease.

NM_182961.4(SYNE1):c.1632+11del

Gene: SYNE1 (spectrin repeat containing nuclear envelope protein 1; minus strand). Cytogenetic location: 6q25.2.
Variant type: Deletion.
Coding change: c.1632+11del on transcript NM_182961.4 (MANE Select); 11 bases into the intron after coding-DNA position 1632, one base deleted (C; older notation c.1632+11delC).
Molecular consequence: intron variant.
Genome position (GRCh38, 1-based): chr6:152,471,586, G deleted on the plus strand (C on the coding strand, the reverse complement: SYNE1 is on the minus strand); the first of 5 consecutive G bases (chr6:152,471,586-152,471,590); deleting any one gives the same sequence. VCF-style (leftmost placement, unchanged base first): chr6-152471585-CG-C. GRCh37 (hg19) VCF-style: chr6-152792720-CG-C.
Other names: c.1653+11delC (NM_033071.3); c.1653+11del (NM_033071.5).
Identifiers: ClinVar variation 511054 (VCV000511054.5), dbSNP rs763013262, ClinGen allele CA4059357.